The following is an entry in ClinVar:

ClinVar aggregate classification (germline): Uncertain significance. Review status: criteria provided, multiple submitters, no conflicts (2 of 4 stars). 3 submissions from 3 submitters: Uncertain significance (3). Last evaluated 2024-10-08.

Conditions:
Congenital stationary night blindness 1E. Also called: Night blindness, congenital stationary (complete), 1E, autosomal recessive. Identifiers: Orphanet 215, MedGen C3281215, MONDO:0013807, OMIM 614565.

Allele frequency attached by ClinVar (database versions not stated): 1000 Genomes Project 30x 0.00016; ExAC 0.00018; gnomAD exomes 0.00018 and 0.00020; gnomAD 0.00027 and 0.00028; TOPMed 0.00032; ESP Exome Variant Server 0.00035.

Submissions (3):

Blueprint Genetics
Classification: Uncertain significance. Last evaluated: 2024-10-08. Review status: criteria provided, single submitter. Criteria: ACMG Guidelines, 2015. Collection method: clinical testing. Allele origin: germline.

Labcorp Genetics (formerly Invitae), Labcorp
Classification: Uncertain significance. Last evaluated: 2024-01-22. Review status: criteria provided, single submitter. Criteria: Invitae Variant Classification Sherloc (09022015). Collection method: clinical testing. Allele origin: germline.
Comment: This sequence change creates a premature translational stop signal (p.Pro1219Argfs*18) in the GPR179 gene. While this is not anticipated to result in nonsense mediated decay, it is expected to disrupt the last 1149 amino acid(s) of the GPR179 protein. This variant is present in population databases (rs779266036, gnomAD 0.03%). This variant has not been reported in the literature in individuals affected with GPR179-related conditions. ClinVar contains an entry for this variant (Variation ID: 322995). Experimental studies and prediction algorithms are not available or were not evaluated, and the functional significance of this variant is currently unknown. In summary, the available evidence is currently insufficient to determine the role of this variant in disease. Therefore, it has been classified as a Variant of Uncertain Significance.

Department of Pathology and Laboratory Medicine, Sinai Health System
Classification: Uncertain significance for Congenital stationary night blindness 1E. Last evaluated: 2022-04-21. Review status: criteria provided, single submitter. Criteria: ACMG Guidelines, 2015. Collection method: research. Allele origin: germline.

NM_001004334.4(GPR179):c.3656_3657del (p.Pro1219fs)

Gene: GPR179 (G protein-coupled receptor 179; minus strand). Cytogenetic location: 17q12.
Variant type: Deletion.
Coding change: c.3656_3657del on transcript NM_001004334.4 (MANE Select); coding-DNA positions 3656 to 3657, 2 bases deleted (CT; older notation c.3656_3657delCT).
Protein change: p.Pro1219fs; shifts the reading frame from proline 1219.
Molecular consequence: frameshift variant.
Genome position (GRCh38, 1-based): chr17:38,329,912-38,329,913, AG deleted on the plus strand (CT on the coding strand, the reverse complement: GPR179 is on the minus strand). VCF-style (leftmost placement, unchanged base first): chr17-38329911-CAG-C. GRCh37 (hg19) VCF-style: chr17-36485794-CAG-C.
Other names: short protein forms P1219fs.
Identifiers: ClinVar variation 322995 (VCV000322995.12), dbSNP rs779266036, ClinGen allele CA10650024.